The following is an entry in ClinVar:

ClinVar aggregate classification (germline): Uncertain significance. Review status: criteria provided, multiple submitters, no conflicts (2 of 4 stars). 2 submissions from 2 submitters: Uncertain significance (2). Last evaluated 2025-08-06.

Conditions:
Catecholaminergic polymorphic ventricular tachycardia 1. Also called: VENTRICULAR TACHYCARDIA, CATECHOLAMINERGIC POLYMORPHIC, 1, WITH OR WITHOUT ATRIAL DYSFUNCTION AND/OR DILATED CARDIOMYOPATHY; RYR2-Related Catecholaminergic Polymorphic Ventricular Tachycardia; VENTRICULAR TACHYCARDIA, STRESS-INDUCED POLYMORPHIC 1. Identifiers: Orphanet 3286, MedGen C1631597, MONDO:0011484, OMIM 604772.

Allele frequency attached by ClinVar (database versions not stated): gnomAD exomes below 0.00001.
gnomAD v4.1: 1 of 1,613,930 alleles (0.000062%); highest among the groups gnomAD compares: East Asian, 0.0022%; no homozygotes.

Submissions (2):

GeneDx
Classification: Uncertain significance. Last evaluated: 2025-08-06. Review status: criteria provided, single submitter. Criteria: GeneDx Variant Classification Process June 2021. Collection method: clinical testing. Allele origin: germline. Affected: yes.
Comment: Not observed at significant frequency in large population cohorts (gnomAD); In silico analysis supports that this missense variant has a deleterious effect on protein structure/function; Has not been previously published as pathogenic or benign to our knowledge; Not located in one of the three hot-spot regions of the RYR2 gene, where the majority of pathogenic missense variants occur (PMID: 19926015); This variant is associated with the following publications: (PMID: 19926015)

Labcorp Genetics (formerly Invitae), Labcorp
Classification: Uncertain significance for Catecholaminergic polymorphic ventricular tachycardia 1. Last evaluated: 2016-11-26. Review status: criteria provided, single submitter. Criteria: Invitae Variant Classification Sherloc (09022015). Collection method: clinical testing. Allele origin: germline.
Comment: This variant does not occur within one of the three regions of the RYR2 gene (N-terminal domain, central domain, or channel region) where other pathogenic variants have been reported to cluster (PMID: 19926015). In summary, this variant is a novel missense change with uncertain impact on protein function. It has been classified as a Variant of Uncertain Significance. Algorithms developed to predict the effect of missense changes on protein structure and function (SIFT, PolyPhen-2, Align-GVGD) all suggest that this variant is likely to be disruptive, but these predictions have not been confirmed by published functional studies. This variant is not present in population databases (ExAC no frequency) and has not been reported in the literature in individuals with a RYR2-related disease. This sequence change replaces leucine with serine at codon 1459 of the RYR2 protein (p.Leu1459Ser). The leucine residue is highly conserved and there is a large physicochemical difference between leucine and serine.

Literature cited by the submitters: PubMed 19926015 (cited by Labcorp Genetics (formerly Invitae), Labcorp).

NM_001035.3(RYR2):c.4376T>C (p.Leu1459Ser)

Gene: RYR2 (ryanodine receptor 2; plus strand). Cytogenetic location: 1q43.
Variant type: single nucleotide variant.
Coding change: c.4376T>C on transcript NM_001035.3 (MANE Select); coding-DNA position 4376, T replaced by C.
Protein change: p.Leu1459Ser; replaces leucine 1459 with serine.
Molecular consequence: missense variant.
Genome position (GRCh38, 1-based): chr1:237,593,576, T>C. VCF-style: chr1-237593576-T-C. GRCh37 (hg19) VCF-style: chr1-237756876-T-C.
Other names: c.4376T>C, p.Leu1459Ser (LRG_402t1); short protein forms L1459S.
Identifiers: ClinVar variation 404220 (VCV000404220.11), dbSNP rs1060500158, ClinGen allele CA16609999.